The following is an entry in ClinVar:

ClinVar aggregate classification (germline): Uncertain significance (1 of 4 stars; one submission).

Submission:

GeneDx
Classification: Uncertain significance. Last evaluated: 2016-02-16. Review status: criteria provided, single submitter. Criteria: GeneDx Variant Classification (06012015). Collection method: clinical testing. Allele origin: germline. Affected: yes.
Comment: The T1444I variant in the CHD8 gene has not been reported previously as a pathogenic variant, nor as a benign variant, to our knowledge. The T1444I variant was not observed in approximately 6200 individuals of European and African American ancestry in the NHLBI Exome Sequencing Project, indicating it is not a common benign variant in these populations. The T1444I variant is a non-conservative amino acid substitution, which is likely to impact secondary protein structure as these residues differ in polarity, charge, size and/or other properties. This substitution occurs at a position that is conserved across species. In silico analysis is inconsistent in its predictions as to whether or not the variant is damaging to the protein structure/function. We interpret T1444I as a variant of uncertain significance.

NM_001170629.2(CHD8):c.4331C>T (p.Thr1444Ile)

Gene: CHD8 (chromodomain helicase DNA binding protein 8; minus strand). Cytogenetic location: 14q11.2.
Variant type: single nucleotide variant.
Coding change: c.4331C>T on transcript NM_001170629.2 (MANE Select); coding-DNA position 4331, C replaced by T.
Protein change: p.Thr1444Ile; replaces threonine 1444 with isoleucine.
Molecular consequence: missense variant.
Genome position (GRCh38, 1-based): chr14:21,400,914, G>A on the plus strand (C>T on the coding strand, the complement: CHD8 is on the minus strand). VCF-style: chr14-21400914-G-A. GRCh37 (hg19) VCF-style: chr14-21869073-G-A.
Other names: c.3494C>T, p.Thr1165Ile (NM_020920.4); short protein forms T1165I, T1444I.
Identifiers: ClinVar variation 420389 (VCV000420389.2), dbSNP rs1064794449, ClinGen allele CA16619834.